The following is an entry in ClinVar:

NM_001387025.1(GRAMD1B):c.2228-9T>C

Gene: GRAMD1B (GRAM domain containing 1B; plus strand). Cytogenetic location: 11q24.1.
Variant type: single nucleotide variant.
Coding change: c.2228-9T>C on transcript NM_001387025.1 (MANE Select); 9 bases into the intron before coding-DNA position 2228, T replaced by C.
Molecular consequence: intron variant.
Genome position (GRCh38, 1-based): chr11:123,614,736, T>C. VCF-style: chr11-123614736-T-C. GRCh37 (hg19) VCF-style: chr11-123485444-T-C.
Other names: c.2096-9T>C (NM_001367421.2); c.1880-9T>C (NM_001367420.2, NM_001367419.2, NM_001367418.2); c.2228-9T>C (NM_001387024.1); c.2225-9T>C (NM_001387026.1); c.1679-9T>C (NM_001387034.1, NM_001387030.1, NM_001387032.1 and 5 more transcripts); c.1820-9T>C (NM_001286563.3); c.1799-9T>C (NM_001387028.1, NM_020716.4, NM_001387029.1).
Identifiers: ClinVar variation 3060986 (VCV003060986.2), dbSNP rs732211, ClinGen allele CA6333818.

ClinVar aggregate classification (germline): Benign (0 of 4 stars; one submission).

Conditions:
GRAMD1B-related disorder. Also called: GRAMD1B-related condition.

Allele frequency attached by ClinVar (database versions not stated): 1000 Genomes Project 0.31170; TOPMed 0.32880; gnomAD 0.33376; ESP Exome Variant Server 0.33990; 1000 Genomes Project 30x 0.31059; ExAC 0.40955; gnomAD exomes 0.42743.
gnomAD v4.1: 659,765 of 1,579,662 alleles (42%); highest among the groups gnomAD compares: South Asian, 50%; 144,282 homozygotes.

Submission:

PreventionGenetics, part of Exact Sciences
Classification: Benign for GRAMD1B-related condition. Last evaluated: 2019-10-21. Review status: no assertion criteria provided. Collection method: clinical testing. Allele origin: germline.
Comment: This variant is classified as benign based on ACMG/AMP sequence variant interpretation guidelines (Richards et al. 2015 PMID: 25741868, with internal and published modifications).